The following is an entry in ClinVar:

ClinVar aggregate classification (germline): Uncertain significance (1 of 4 stars; one submission).

Conditions:
Immunodeficiency 28 (IMD28). Also called: IFNGR2 DEFICIENCY. Identifiers: Orphanet 319547, Orphanet 319574, MedGen C4013947, MONDO:0013953, OMIM 614889.

Allele frequency attached by ClinVar (database versions not stated): TOPMed below 0.00001.
gnomAD v4.1: 3 of 1,614,098 alleles (0.00019%); highest among the groups gnomAD compares: Non-Finnish European, 0.00025%; no homozygotes.

Submission:

Labcorp Genetics (formerly Invitae), Labcorp
Classification: Uncertain significance for Immunodeficiency 28. Last evaluated: 2022-04-01. Review status: criteria provided, single submitter. Criteria: Invitae Variant Classification Sherloc (09022015). Collection method: clinical testing. Allele origin: germline.
Comment: In summary, the available evidence is currently insufficient to determine the role of this variant in disease. Therefore, it has been classified as a Variant of Uncertain Significance. Algorithms developed to predict the effect of missense changes on protein structure and function are either unavailable or do not agree on the potential impact of this missense change (SIFT: "Deleterious"; PolyPhen-2: "Possibly Damaging"; Align-GVGD: "Class C15"). This variant has not been reported in the literature in individuals affected with IFNGR2-related conditions. This variant is not present in population databases (gnomAD no frequency). This sequence change replaces glycine, which is neutral and non-polar, with valine, which is neutral and non-polar, at codon 254 of the IFNGR2 protein (p.Gly254Val).

NM_005534.4(IFNGR2):c.761G>T (p.Gly254Val)

Genes: IFNGR2 (interferon gamma receptor 2; plus strand), TMEM50B (transmembrane protein 50B; minus strand). Cytogenetic location: 21q22.11.
Variant type: single nucleotide variant.
Coding change: c.761G>T on transcript NM_005534.4 (MANE Select); coding-DNA position 761, G replaced by T.
Protein change: p.Gly254Val; replaces glycine 254 with valine.
Molecular consequence: missense variant. On other transcripts: non-coding transcript variant (1).
Genome position (GRCh38, 1-based): chr21:33,432,753, G>T. VCF-style: chr21-33432753-G-T. GRCh37 (hg19) VCF-style: chr21-34805060-G-T.
Other names: c.818G>T, p.Gly273Val (NM_001329128.2); short protein forms G273V, G254V.
Identifiers: ClinVar variation 2120319 (VCV002120319.4), dbSNP rs1245454647, ClinGen allele CA410112152.